The following is an entry in ClinVar:

NM_001122764.3(PPOX):c.1114T>C (p.Ser372Pro)

Gene: PPOX (protoporphyrinogen oxidase; plus strand). Cytogenetic location: 1q23.3.
Variant type: single nucleotide variant.
Coding change: c.1114T>C on transcript NM_001122764.3 (MANE Select); coding-DNA position 1114, T replaced by C.
Protein change: p.Ser372Pro; replaces serine 372 with proline.
Molecular consequence: missense variant.
Genome position (GRCh38, 1-based): chr1:161,170,635, T>C. VCF-style: chr1-161170635-T-C. GRCh37 (hg19) VCF-style: chr1-161140425-T-C.
Other names: c.628T>C, p.Ser210Pro (NM_001365401.1, NM_001350130.2, NM_001350131.2); c.1114T>C, p.Ser372Pro (NM_000309.5, NM_001365398.1); c.1015T>C, p.Ser339Pro (NM_001350128.2); c.706T>C, p.Ser236Pro (NM_001350129.2, NM_001365400.1); c.1003T>C, p.Ser335Pro (NM_001365399.1); short protein forms S210P, S339P, S372P, S236P, S335P.
Identifiers: ClinVar variation 2018369 (VCV002018369.4), dbSNP rs764652886, ClinGen allele CA1207368.

ClinVar aggregate classification (germline): Uncertain significance (1 of 4 stars; one submission).

Allele frequency attached by ClinVar (database versions not stated): gnomAD exomes below 0.00001; ExAC 0.00001.
gnomAD v4.1: 1 of 1,614,202 alleles (0.000062%); highest among the groups gnomAD compares: Admixed American, 0.0017%; no homozygotes.

Submission:

Labcorp Genetics (formerly Invitae), Labcorp
Classification: Uncertain significance. Last evaluated: 2022-04-12. Review status: criteria provided, single submitter. Criteria: Invitae Variant Classification Sherloc (09022015). Collection method: clinical testing. Allele origin: germline.
Comment: In summary, the available evidence is currently insufficient to determine the role of this variant in disease. Therefore, it has been classified as a Variant of Uncertain Significance. Algorithms developed to predict the effect of missense changes on protein structure and function are either unavailable or do not agree on the potential impact of this missense change (SIFT: "Tolerated"; PolyPhen-2: "Possibly Damaging"; Align-GVGD: "Class C0"). This variant has not been reported in the literature in individuals affected with PPOX-related conditions. This variant is present in population databases (rs764652886, gnomAD 0.003%). This sequence change replaces serine, which is neutral and polar, with proline, which is neutral and non-polar, at codon 372 of the PPOX protein (p.Ser372Pro).